The following is an entry in ClinVar:

NM_152415.3(VPS37A):c.187A>G (p.Ile63Val)

Gene: VPS37A (VPS37A subunit of ESCRT-I; plus strand). Cytogenetic location: 8p22.
Variant type: single nucleotide variant.
Coding change: c.187A>G on transcript NM_152415.3 (MANE Select); coding-DNA position 187, A replaced by G.
Protein change: p.Ile63Val; replaces isoleucine 63 with valine.
Molecular consequence: missense variant. On other transcripts: 5 prime UTR variant (5), intron variant (1).
Genome position (GRCh38, 1-based): chr8:17,265,968, A>G. VCF-style: chr8-17265968-A-G. GRCh37 (hg19) VCF-style: chr8-17123477-A-G.
Other names: c.187A>G, p.Ile63Val (NM_001363167.1, NM_001363173.2); c.-84A>G (NM_001363168.1, NM_001363169.1, NM_001363170.1 and 2 more transcripts); c.126-2290A>G (NM_001145152.2); short protein forms I63V.
Identifiers: ClinVar variation 3332249 (VCV003332249.2).
Genomic context (GRCh38, chr8:17,265,968, plus strand): 5'-ATAGCCGAAATACAGAAAGATGTGGAATACAGATTGCCATTCACCATAAACAACCTGACA[A>G]TTAACATTAATATGTGAGTAGAATTGTATCCTACTTTTTCATGTAAAAGGACTTAACAGT-3'
Protein context (NP_689628.2, residues 53-73): RLPFTINNLT[Ile63Val]NINILLPPQF

ClinVar aggregate classification (germline): Uncertain significance. Review status: criteria provided, multiple submitters, no conflicts (2 of 4 stars). 2 submissions from 2 submitters: Uncertain significance (2). Last evaluated 2026-01-27.

Conditions:
Hereditary spastic paraplegia 53. Also called: Spastic paraplegia 53, autosomal recessive. Identifiers: Orphanet 319199, MedGen C3539494, MONDO:0013962, OMIM 614898.

gnomAD v4.1: 11 of 1,612,362 alleles (0.00068%); highest among the groups gnomAD compares: African/African-American, 0.0067%; no homozygotes.

Submissions (2):

Labcorp Genetics (formerly Invitae), Labcorp
Classification: Uncertain significance for Hereditary spastic paraplegia 53. Last evaluated: 2026-01-27. Review status: criteria provided, single submitter. Criteria: Invitae Variant Classification Sherloc (09022015). Collection method: clinical testing. Allele origin: germline.
Comment: This sequence change replaces isoleucine, which is neutral and non-polar, with valine, which is neutral and non-polar, at codon 63 of the VPS37A protein (p.Ile63Val). This variant is present in population databases (rs372276569, gnomAD 0.008%). This variant has not been reported in the literature in individuals affected with VPS37A-related conditions. ClinVar contains an entry for this variant (Variation ID: 3332249). Invitae Evidence Modeling of protein sequence and biophysical properties (such as structural, functional, and spatial information, amino acid conservation, physicochemical variation, residue mobility, and thermodynamic stability) indicates that this missense variant is not expected to disrupt VPS37A protein function with a negative predictive value of 80%. In summary, the available evidence is currently insufficient to determine the role of this variant in disease. Therefore, it has been classified as a Variant of Uncertain Significance.

Ambry Genetics
Classification: Uncertain significance. Last evaluated: 2024-03-19. Review status: criteria provided, single submitter. Criteria: Ambry Variant Classification Scheme 2023. Collection method: clinical testing. Allele origin: germline.